The following is an entry in ClinVar:

ClinVar aggregate classification (germline): Uncertain significance (1 of 4 stars; one submission).

Allele frequency attached by ClinVar (database versions not stated): gnomAD 0.00001; TOPMed 0.00001; gnomAD exomes 0.00002.
gnomAD v4.1: 24 of 1,613,902 alleles (0.0015%); highest among the groups gnomAD compares: South Asian, 0.0088%; no homozygotes.

Submission:

Labcorp Genetics (formerly Invitae), Labcorp
Classification: Uncertain significance. Last evaluated: 2024-07-08. Review status: criteria provided, single submitter. Criteria: Invitae Variant Classification Sherloc (09022015). Collection method: clinical testing. Allele origin: germline.
Comment: This sequence change replaces alanine, which is neutral and non-polar, with valine, which is neutral and non-polar, at codon 504 of the RFWD3 protein (p.Ala504Val). This variant is present in population databases (no rsID available, gnomAD 0.003%). This variant has not been reported in the literature in individuals affected with RFWD3-related conditions. An algorithm developed to predict the effect of missense changes on protein structure and function (PolyPhen-2) suggests that this variant is likely to be disruptive. In summary, the available evidence is currently insufficient to determine the role of this variant in disease. Therefore, it has been classified as a Variant of Uncertain Significance.

NM_018124.4(RFWD3):c.1511C>T (p.Ala504Val)

Gene: RFWD3 (ring finger and WD repeat domain 3; minus strand). Cytogenetic location: 16q23.1.
Variant type: single nucleotide variant.
Coding change: c.1511C>T on transcript NM_018124.4 (MANE Select); coding-DNA position 1511, C replaced by T.
Protein change: p.Ala504Val; replaces alanine 504 with valine.
Molecular consequence: missense variant.
Genome position (GRCh38, 1-based): chr16:74,632,589, G>A on the plus strand (C>T on the coding strand, the complement: RFWD3 is on the minus strand). VCF-style: chr16-74632589-G-A. GRCh37 (hg19) VCF-style: chr16-74666487-G-A.
Other names: c.1511C>T, p.Ala504Val (NM_001370534.1, NM_001370535.1, NM_001370536.1); c.677C>T, p.Ala226Val (NM_001370537.1, NM_001370539.1, NM_001370540.1 and 3 more transcripts); short protein forms A504V, A226V.
Identifiers: ClinVar variation 2872195 (VCV002872195.3), dbSNP rs955547385, ClinGen allele CA283743433.